The following is an entry in ClinVar:

NM_032436.4(CHAMP1):c.1544G>A (p.Trp515Ter)

Gene: CHAMP1 (chromosome alignment maintaining phosphoprotein 1; plus strand). Cytogenetic location: 13q34.
Variant type: single nucleotide variant.
Coding change: c.1544G>A on transcript NM_032436.4 (MANE Select); coding-DNA position 1544, G replaced by A.
Protein change: p.Trp515Ter; replaces tryptophan 515 with a stop codon.
Molecular consequence: nonsense.
Genome position (GRCh38, 1-based): chr13:114,325,386, G>A. VCF-style: chr13-114325386-G-A. GRCh37 (hg19) VCF-style: chr13-115090861-G-A.
Other names: c.1544G>A, p.Trp515Ter (NM_001164144.3, NM_001164145.3); short protein forms W515*.
Identifiers: ClinVar variation 217907 (VCV000217907.4), dbSNP rs863225075, ClinGen allele CA325486.

ClinVar aggregate classification (germline): Pathogenic (1 of 4 stars; one submission).

Conditions:
CHAMP1-related syndrome.

Submission:

GeneDx
Classification: Pathogenic. Last evaluated: 2015-10-16. Review status: criteria provided, single submitter. Criteria: GeneDx Variant Classification (06012015). Collection method: clinical testing. Allele origin: germline. Affected: yes.
Comment: The W515X pathogenic variant in the CHAMP1 gene has not been reported previously as apathogenic variant nor as a benign variant, to our knowledge. This variant is predicted to cause loss ofnormal protein function through protein truncation. The W515X variant was not observed inapproximately 6,500 individuals of European and African American ancestry in the NHLBI ExomeSequencing Project, indicating it is not a common benign variant in these populations. We interpretW515X as a pathogenic variant.